The following is an entry in ClinVar:

ClinVar aggregate classification (germline): Uncertain significance (1 of 4 stars; one submission).

Conditions:
Inborn genetic diseases. Identifiers: MedGen C0950123, MeSH D030342.

Allele frequency attached by ClinVar (database versions not stated): gnomAD exomes 0.00001.
gnomAD v4.1: 12 of 1,552,790 alleles (0.00077%); highest among the groups gnomAD compares: Non-Finnish European, 0.00087%; no homozygotes.

Submission:

Ambry Genetics
Classification: Uncertain significance for Inborn genetic diseases. Last evaluated: 2023-04-06. Review status: criteria provided, single submitter. Criteria: Ambry Variant Classification Scheme 2023. Collection method: clinical testing. Allele origin: germline.
Comment: The p.E422K variant (also known as c.1264G>A), located in coding exon 10 of the EPAS1 gene, results from a G to A substitution at nucleotide position 1264. The glutamic acid at codon 422 is replaced by lysine, an amino acid with similar properties. This amino acid position is conserved. In addition, this alteration is predicted to be tolerated by in silico analysis. Since supporting evidence is limited at this time, the clinical significance of this alteration remains unclear.

NM_001430.5(EPAS1):c.1264G>A (p.Glu422Lys)

Gene: EPAS1 (endothelial PAS domain protein 1; plus strand). Cytogenetic location: 2p21.
Variant type: single nucleotide variant.
Coding change: c.1264G>A on transcript NM_001430.5 (MANE Select); coding-DNA position 1264, G replaced by A.
Protein change: p.Glu422Lys; replaces glutamic acid 422 with lysine.
Molecular consequence: missense variant.
Genome position (GRCh38, 1-based): chr2:46,377,908, G>A. VCF-style: chr2-46377908-G-A. GRCh37 (hg19) VCF-style: chr2-46605047-G-A.
Other names: short protein forms E422K.
Identifiers: ClinVar variation 2560738 (VCV002560738.2), dbSNP rs930105250, ClinGen allele CA46563750.